The following is an entry in ClinVar:

ClinVar aggregate classification (germline): Likely benign. Review status: criteria provided, multiple submitters, no conflicts (2 of 4 stars). 3 submissions from 3 submitters: Likely benign (3). Last evaluated 2026-08-01.

Allele frequency attached by ClinVar (database versions not stated): gnomAD 0.00001; TOPMed 0.00002; gnomAD exomes 0.00003; ExAC 0.00007; 1000 Genomes Project 30x 0.00031.
gnomAD v4.1: 45 of 1,470,052 alleles (0.0031%); highest among the groups gnomAD compares: Middle Eastern, 0.02%; no homozygotes.

Submissions (3):

CeGaT Center for Human Genetics Tuebingen
Classification: Likely benign. Last evaluated: 2026-08-01. Review status: criteria provided, single submitter. Criteria: CeGaT Center For Human Genetics Tuebingen Variant Classification Criteria Version 2. Collection method: clinical testing. Allele origin: germline. Affected: yes. Observed: 1 variant allele.
Comment: CDK13: BP4, BP7

Labcorp Genetics (formerly Invitae), Labcorp
Classification: Likely benign. Last evaluated: 2025-09-27. Review status: criteria provided, single submitter. Criteria: Invitae Variant Classification Sherloc (09022015). Collection method: clinical testing. Allele origin: germline.

Blueprint Genetics
Classification: Likely benign. Last evaluated: 2024-05-23. Review status: criteria provided, single submitter. Criteria: ACMG Guidelines, 2015. Collection method: clinical testing. Allele origin: germline.

NM_003718.5(CDK13):c.1063C>T (p.Leu355=)

Gene: CDK13 (cyclin dependent kinase 13; plus strand). Cytogenetic location: 7p14.1.
Variant type: single nucleotide variant.
Coding change: c.1063C>T on transcript NM_003718.5 (MANE Select); coding-DNA position 1063, C replaced by T.
Protein change: p.Leu355=; no amino-acid change (leucine 355 retained).
Molecular consequence: synonymous variant.
Genome position (GRCh38, 1-based): chr7:39,951,704, C>T. VCF-style: chr7-39951704-C-T. GRCh37 (hg19) VCF-style: chr7-39991303-C-T.
Other names: c.1063C>T, p.Leu355= (NM_031267.4).
Identifiers: ClinVar variation 2987311 (VCV002987311.5), dbSNP rs758235150, ClinGen allele CA4228395.
Genomic context (GRCh38, chr7:39,951,704, plus strand): 5'-CTGAGGAGCCGCAAGTCCCCCAGCCCGGCAGGAGGTGGCAGCAGCCCCTATTCTCGGCGG[C>T]TGCCGCGCTCCCCGAGCCCCTACAGTCGCCGCCGCTCCCCCAGCTACAGCCGCCACAGCT-3'
Protein context (NP_003709.3, residues 345-365): GGGSSPYSRR[Leu355=]PRSPSPYSRR